The following is an entry in ClinVar:

ClinVar aggregate classification (germline): Conflicting classifications of pathogenicity. Review status: criteria provided, conflicting classifications (1 of 4 stars). 2 submissions from 2 submitters: Likely pathogenic (1); Uncertain significance (1). Last evaluated 2026-05-08.

Conditions:
Inborn genetic diseases. Identifiers: MedGen C0950123, MeSH D030342.

Submissions (2):

Ambry Genetics
Classification: Uncertain significance for Inborn genetic diseases. Last evaluated: 2026-05-08. Review status: criteria provided, single submitter. Criteria: Ambry Variant Classification Scheme 2023. Collection method: clinical testing. Allele origin: germline.
Comment: The c.1394-2A>G intronic variant results from an A to G substitution two nucleotides upstream from coding exon 6 in the MBD4 gene. Variants that disrupt the canonical splice site are expected to result in aberrant splicing. In silico splice site analysis predicts that this alteration will weaken the native splice acceptor site. A resulting transcript is predicted to be in-frame and is not expected to trigger nonsense-mediated mRNAdecay; although, direct evidence is unavailable. This nucleotide position is highly conserved in available vertebrate species. Based on the available evidence, the clinical significance of this variant remains unclear.

Labcorp Genetics (formerly Invitae), Labcorp
Classification: Likely pathogenic. Last evaluated: 2025-12-21. Review status: criteria provided, single submitter. Criteria: Invitae Variant Classification Sherloc (09022015). Collection method: clinical testing. Allele origin: germline.
Comment: This sequence change affects an acceptor splice site in intron 5 of the MBD4 gene. It is expected to disrupt RNA splicing. Variants that disrupt the donor or acceptor splice site typically lead to a loss of protein function (PMID: 16199547), and loss-of-function variants in MBD4 are known to be pathogenic (PMID: 30049810, 35460607). This variant is present in population databases (no rsID available, gnomAD 0.0009%). This variant has not been reported in the literature in individuals affected with MBD4-related conditions. ClinVar contains an entry for this variant (Variation ID: 3671905). Algorithms developed to predict the effect of sequence changes on RNA splicing suggest that this variant may disrupt the consensus splice site. In summary, the currently available evidence indicates that the variant is pathogenic, but additional data are needed to prove that conclusively. Therefore, this variant has been classified as Likely Pathogenic.

Literature cited by the submitters: PubMed 16199547 (cited by Labcorp Genetics (formerly Invitae), Labcorp); PubMed 30049810 (cited by Labcorp Genetics (formerly Invitae), Labcorp); PubMed 35460607 (cited by Labcorp Genetics (formerly Invitae), Labcorp).

NM_001276270.2(MBD4):c.1394-2A>G

Gene: MBD4 (methyl-CpG binding domain 4, DNA glycosylase; minus strand). Cytogenetic location: 3q21.3.
Variant type: single nucleotide variant.
Coding change: c.1394-2A>G on transcript NM_001276270.2 (MANE Select); the canonical splice acceptor site of the intron before coding-DNA position 1394, A replaced by G.
Molecular consequence: splice acceptor variant.
Genome position (GRCh38, 1-based): chr3:129,433,249, T>C on the plus strand (A>G on the coding strand, the complement: MBD4 is on the minus strand). VCF-style: chr3-129433249-T-C. GRCh37 (hg19) VCF-style: chr3-129152092-T-C.
Other names: c.458-2A>G (NM_001276273.2); c.1412-2A>G (NM_001276272.2, NM_003925.3, NM_001276271.2).
Identifiers: ClinVar variation 3671905 (VCV003671905.3).
Genomic context (GRCh38, chr3:129,433,249, plus strand): 5'-TACCTCAGCTGAAGGATACTTCTCCAGAAACTTCCAAAGCACAGGTATTGCCATTTTGCC[T>C]GGGAAGTAAAAGTAACTGAATGATTACAAGACTCCAGGTGGGCTGATTTCATGTTCAAGT-3'